The following is an entry in ClinVar:

NM_000059.4(BRCA2):c.8633-2587T>G

Gene: BRCA2 (BRCA2 DNA repair associated; plus strand). Cytogenetic location: 13q13.1.
Variant type: single nucleotide variant.
Coding change: c.8633-2587T>G on transcript NM_000059.4 (MANE Select); 2587 bases into the intron before coding-DNA position 8633, T replaced by G.
Molecular consequence: intron variant.
Genome position (GRCh38, 1-based): chr13:32,374,083, T>G. VCF-style: chr13-32374083-T-G. GRCh37 (hg19) VCF-style: chr13-32948220-T-G.
Identifiers: ClinVar variation 264979 (VCV000264979.1), dbSNP rs189608242, ClinGen allele CA10588146.

ClinVar aggregate classification (germline): Benign (3 of 4 stars; one submission).

Conditions:
Breast-ovarian cancer, familial, susceptibility to, 2 (BROVCA2). Also called: BRCA2 Hereditary Breast and Ovarian Cancer. Identifiers: Orphanet 145, MedGen C2675520, MONDO:0012933, OMIM 612555. Disease mechanism: loss of function.

Allele frequency attached by ClinVar (database versions not stated): gnomAD 0.00344 and 0.00362; TOPMed 0.00386; 1000 Genomes Project 0.00519; 1000 Genomes Project 30x 0.00609.
gnomAD v4.1: 521 of 152,360 alleles (0.34%); highest among the groups gnomAD compares: African/African-American, 1.2%; 2 homozygotes.

Submission:

Evidence-based Network for the Interpretation of Germline Mutant Alleles (ENIGMA)
Classification: Benign for Breast-ovarian cancer, familial, susceptibility to, 2. Last evaluated: 2016-09-28. Review status: reviewed by expert panel. Criteria: ENIGMA BRCA1/2 Classification Criteria (2015). Collection method: curation. Allele origin: germline.
Comment: Class 1 not pathogenic based on frequency >1% in an outbred sampleset. Frequency 0.0197 (African), derived from 1000 genomes (2013-05-02).